The following is an entry in ClinVar:

ClinVar aggregate classification (germline): Pathogenic/Likely pathogenic. Review status: criteria provided, multiple submitters, no conflicts (2 of 4 stars). 4 submissions from 4 submitters: Pathogenic (3); Likely pathogenic (1). Last evaluated 2025-11-18.

Conditions:
Dilated cardiomyopathy 1G (CMD1G). Identifiers: Orphanet 154, MedGen C1858763, MONDO:0011400, OMIM 604145.
Autosomal recessive limb-girdle muscular dystrophy type 2J (LGMDR10). Also called: Limb-girdle muscular dystrophy, type 2J; MUSCULAR DYSTROPHY, LIMB-GIRDLE, AUTOSOMAL RECESSIVE 10. Identifiers: Orphanet 140922, MedGen C1837342, MONDO:0012127, OMIM 608807.
Primary dilated cardiomyopathy (DCM). Also called: Dilated Cardiomyopathy. Identifiers: Orphanet 217604, MedGen C0007193, MeSH D002311, MONDO:0005021, HP:0001644. Inheritance: Various modes of inheritance.

Allele frequency attached by ClinVar (database versions not stated): TOPMed 0.00001.
gnomAD v4.1: 1 of 1,613,366 alleles (0.000062%); highest among the groups gnomAD compares: Non-Finnish European, 0.000085%; no homozygotes.

Submissions (4):

Labcorp Genetics (formerly Invitae), Labcorp
Classification: Pathogenic for Dilated cardiomyopathy 1G; Autosomal recessive limb-girdle muscular dystrophy type 2J. Last evaluated: 2025-11-18. Review status: criteria provided, single submitter. Criteria: Invitae Variant Classification Sherloc (09022015). Collection method: clinical testing. Allele origin: germline.
Comment: This sequence change creates a premature translational stop signal (p.Arg26331*) in the TTN gene. While this is not anticipated to result in nonsense mediated decay, it is expected to create a truncated TTN protein. This variant is not present in population databases (gnomAD no frequency). This premature translational stop signal has been observed in individuals with clinical features of autosomal recessive limb-girdle muscular dystrophy and autosomal dominant dilated cardiomyopathy (PMID: 29961767; internal data). ClinVar contains an entry for this variant (Variation ID: 223385). This variant is located in the A band of TTN (PMID: 25589632). Truncating variants in this region are significantly overrepresented in patients affected with dilated cardiomyopathy (PMID: 25589632). Truncating variants in this region have also been reported in individuals affected with autosomal recessive centronuclear myopathy (PMID: 23975875). For these reasons, this variant has been classified as Pathogenic.

Victorian Clinical Genetics Services, Murdoch Childrens Research Institute
Classification: Pathogenic for Dilated cardiomyopathy 1G. Last evaluated: 2024-10-11. Review status: criteria provided, single submitter. Criteria: ACMG Guidelines, 2015. Collection method: clinical testing. Allele origin: germline. Affected: yes.
Comment: Based on the classification scheme VCGS_Germline_v1.3.5, this variant is classified as Pathogenic. Following criteria are met: 0102 - Loss of function is a known mechanism of disease in this gene. In addition, dominant-negative is also a suggested mechanism. (PMID: 25589632). (I) 0108 - This gene is associated with both recessive and dominant disease (OMIM). (I) 0112 - The condition associated with this gene has incomplete penetrance. Variants in this gene that result in a premature termination codon (PTC) are known to have reduced penetrance in DCM (PMID: 25589632). (I) 0201 - Variant is predicted to cause nonsense-mediated decay (NMD) and loss of protein (premature termination codon is located at least 54 nucleotides upstream of the final exon-exon junction). (SP) 0251 - Variant is heterozygous. (I) 0304 - Variant is present in gnomAD (v4) <0.01 (1 heterozygote, 0 homozygote). (SP) 0600 - Variant is located in the annotated A-band and the exon has a PSI score of 100% (PMID: 25589632). (I) 0702 - Other NMD-predicted variants comparable to the one identified in this case have strong previous evidence for pathogenicity (ClinVar). (SP) 0802 - This variant has moderate previous evidence of pathogenicity in unrelated individuals. This variant has been classified as pathogenic by clinical diagnostic laboratories and has been reported in two families with DCM (ClinVar; PMID: 30354343). (SP) 0901 - This variant has strong evidence for segregation with disease. This variant has been reported to segregated with family members with DCM, however it should be noted that unaffected family members were also found to carry the variant (PMID: 30354343). (SP) 1002 - This variant has moderate functional evidence supporting abnormal protein function. Zebrafish models homozygous for our variant had severe cardiac dysmorphogenesis and premature death while zebrafish models heterozygous for our variant spontaneously developed DCM in adulthood (PMID: 30354343). (SP) 1208 - Inheritance information for this variant is not currently available in this individual. (I) Legend: (SP) - Supporting pathogenic, (I) - Information, (SB) - Supporting benign

Clinical Genetics Laboratory, Skane University Hospital Lund
Classification: Pathogenic. Last evaluated: 2023-09-19. Review status: criteria provided, single submitter. Criteria: ACMG Guidelines, 2015. Collection method: clinical testing. Allele origin: germline. Affected: yes.

Cardiovascular Biomedical Research Unit, Royal Brompton & Harefield NHS Foundation Trust
Classification: Likely pathogenic for Primary dilated cardiomyopathy. Last evaluated: 2014-10-08. Review status: criteria provided, single submitter. Criteria: Roberts et al. 2015. Collection method: research. Allele origin: germline. Inheritance: Autosomal dominant inheritance. Affected: yes. Observed: 2 variant alleles. Study: Familial DCM.
Comment: This TTN truncating variant (TTNtv) was identified in two individuals in this cohort and is located in an exon that is highly expressed in the heart. In the seven cohorts assessed, TTNtv were found in 14% of ambulant DCM, 22% end-stage or familial DCM, and 2% controls. Heterozygous nonsense, frameshift and canonical splice-disrupting variants found in constitutive and other highly utilised exons are highly likely to be pathogenic when identified in individuals with phenotypically confirmed DCM. TTNtv found incidentally in healthy individuals (excluding familial assessment of DCM relatives) are thought to have low penetrance, particularly when identified in exons that are not constitutively expressed in the heart.

Literature cited by the submitters: PubMed 29961767 (cited by Labcorp Genetics (formerly Invitae), Labcorp); PubMed 25589632 (cited by Labcorp Genetics (formerly Invitae), Labcorp and Victorian Clinical Genetics Services, Murdoch Childrens Research Institute); PubMed 23975875 (cited by Labcorp Genetics (formerly Invitae), Labcorp); PubMed 30354343 (cited by Victorian Clinical Genetics Services, Murdoch Childrens Research Institute).

NM_001267550.2(TTN):c.78991C>T (p.Arg26331Ter)

Genes: TTN (titin; minus strand), TTN-AS1 (TTN antisense RNA 1; plus strand). Cytogenetic location: 2q31.2.
Variant type: single nucleotide variant.
Coding change: c.78991C>T on transcript NM_001267550.2 (MANE Select); coding-DNA position 78991, C replaced by T.
Protein change: p.Arg26331Ter; replaces arginine 26331 with a stop codon.
Molecular consequence: nonsense.
Genome position (GRCh38, 1-based): chr2:178,567,141, G>A on the plus strand (C>T on the coding strand, the complement: TTN is on the minus strand). VCF-style: chr2-178567141-G-A. GRCh37 (hg19) VCF-style: chr2-179431868-G-A.
Other names: c.74068C>T, p.Arg24690Ter (NM_001256850.1); c.51796C>T, p.Arg17266Ter (NM_003319.4); c.71287C>T, p.Arg23763Ter (NM_133378.4); c.52171C>T, p.Arg17391Ter (NM_133432.3); c.52372C>T, p.Arg17458Ter (NM_133437.4); c.78991C>T (LRG_391t1, NM_001267550.1); short protein forms R26331*, R24690*, R17458*, R23763*, R17266*, R17391*.
Identifiers: ClinVar variation 223385 (VCV000223385.11), dbSNP rs779996703, ClinGen allele CA090197.